The following is an entry in ClinVar:

NM_000245.4(MET):c.2158T>C (p.Phe720Leu)

Gene: MET (MET proto-oncogene, receptor tyrosine kinase; plus strand). Cytogenetic location: 7q31.2.
Variant type: single nucleotide variant.
Coding change: c.2158T>C on transcript NM_000245.4 (MANE Select); coding-DNA position 2158, T replaced by C.
Protein change: p.Phe720Leu; replaces phenylalanine 720 with leucine.
Molecular consequence: missense variant.
Genome position (GRCh38, 1-based): chr7:116,758,514, T>C. VCF-style: chr7-116758514-T-C. GRCh37 (hg19) VCF-style: chr7-116398568-T-C.
Other names: c.2158T>C, p.Phe720Leu (NM_001127500.3, NM_001324401.3); c.868T>C, p.Phe290Leu (NM_001324402.2); short protein forms F720L, F290L.
Identifiers: ClinVar variation 3872402 (VCV003872402.1).
Genomic context (GRCh38, chr7:116,758,514, plus strand): 5'-TTCAGTGTGTCAAACAGTATTCTTGAATGTTATACCCCAGCCCAAACCATTTCAACTGAG[T>C]TTGCTGTTAAATTGAAAATTGACTTAGCCAACCGAGAGACAAGCATCTTCAGTTACCGTG-3'
Protein context (NP_000236.2, residues 710-730): YTPAQTISTE[Phe720Leu]AVKLKIDLAN

ClinVar aggregate classification (germline): Uncertain significance (1 of 4 stars; one submission).

Conditions:
Hereditary cancer-predisposing syndrome. Also called: Tumor predisposition; Neoplastic Syndromes, Hereditary; Hereditary Cancer Syndrome; Hereditary neoplastic syndrome. Identifiers: Orphanet 140162, MedGen C0027672, MeSH D009386, MONDO:0015356.

Submission:

Ambry Genetics
Classification: Uncertain significance for Hereditary cancer-predisposing syndrome. Last evaluated: 2025-03-07. Review status: criteria provided, single submitter. Criteria: Ambry Variant Classification Scheme 2023. Collection method: clinical testing. Allele origin: germline.
Comment: The p.F720L variant (also known as c.2158T>C), located in coding exon 8 of the MET gene, results from a T to C substitution at nucleotide position 2158. The phenylalanine at codon 720 is replaced by leucine, an amino acid with highly similar properties. This amino acid position is conserved. In addition, this alteration is predicted to be tolerated by in silico analysis. Based on the available evidence, the clinical significance of this variant remains unclear.